The following is an entry in ClinVar:

ClinVar aggregate classification (germline): Uncertain significance (1 of 4 stars; one submission).

gnomAD v4.1: 7 of 1,613,944 alleles (0.00043%); highest among the groups gnomAD compares: Non-Finnish European, 0.00051%; no homozygotes.

Submission:

Labcorp Genetics (formerly Invitae), Labcorp
Classification: Uncertain significance. Last evaluated: 2025-10-08. Review status: criteria provided, single submitter. Criteria: Invitae Variant Classification Sherloc (09022015). Collection method: clinical testing. Allele origin: germline.
Comment: This sequence change replaces arginine, which is basic and polar, with histidine, which is basic and polar, at codon 467 of the ATP2A2 protein (p.Arg467His). This variant is not present in population databases (gnomAD no frequency). This variant has not been reported in the literature in individuals affected with ATP2A2-related conditions. Invitae Evidence Modeling of protein sequence and biophysical properties (such as structural, functional, and spatial information, amino acid conservation, physicochemical variation, residue mobility, and thermodynamic stability) has been performed for this missense variant. However, the output from this modeling did not meet the statistical confidence thresholds required to predict the impact of this variant on ATP2A2 protein function. In summary, the available evidence is currently insufficient to determine the role of this variant in disease. Therefore, it has been classified as a Variant of Uncertain Significance.

NM_170665.4(ATP2A2):c.1400G>A (p.Arg467His)

Gene: ATP2A2 (ATPase sarcoplasmic/endoplasmic reticulum Ca2+ transporting 2; plus strand). Cytogenetic location: 12q24.11.
Variant type: single nucleotide variant.
Coding change: c.1400G>A on transcript NM_170665.4 (MANE Select); coding-DNA position 1400, G replaced by A.
Protein change: p.Arg467His; replaces arginine 467 with histidine.
Molecular consequence: missense variant.
Genome position (GRCh38, 1-based): chr12:110,334,124, G>A. VCF-style: chr12-110334124-G-A. GRCh37 (hg19) VCF-style: chr12-110771929-G-A.
Other names: c.1295G>A, p.Arg432His (NM_001413013.1); c.1400G>A, p.Arg467His (NM_001413014.1, NM_001681.4); c.1025G>A, p.Arg342His (NM_001413015.1); short protein forms R342H, R432H, R467H.
Identifiers: ClinVar variation 4694086 (VCV004694086.1).